The following is an entry in ClinVar:

NM_006767.4(LZTR1):c.20del (p.Thr7fs)

Genes: LZTR1 (leucine zipper like post translational regulator 1; plus strand), LOC130067016 (ATAC-STARR-seq lymphoblastoid silent region 13504; plus strand). Cytogenetic location: 22q11.21.
Variant type: Deletion.
Coding change: c.20del on transcript NM_006767.4 (MANE Select); coding-DNA position 20, one base deleted (C; older notation c.20delC).
Protein change: p.Thr7fs; shifts the reading frame from threonine 7.
Molecular consequence: frameshift variant.
Genome position (GRCh38, 1-based): chr22:20,982,391, C deleted. VCF-style (leftmost placement, unchanged base first): chr22-20982390-AC-A. GRCh37 (hg19) VCF-style: chr22-21336679-AC-A.
Other names: c.20delC (NM_006767.3); short protein forms T7fs.
Identifiers: ClinVar variation 2882632 (VCV002882632.4), dbSNP rs1924223700, ClinGen allele CA2396635878.
Genomic context (GRCh38, chr22:20,982,390, plus strand): 5'-CAAGTTGGGCTTACAGCGCGGCCGATCCGGCGTGGACCCGGGATGGCTGGACCGGGCAGC[AC>A]GGGGGGGCAGATCGGGGCTGCGGCCCTGGCAGGCGGCGCGCGGTCCAAGGTAGCCCCGAG-3'

ClinVar aggregate classification (germline): Pathogenic. Review status: criteria provided, multiple submitters, no conflicts (2 of 4 stars). 2 submissions from 2 submitters: Pathogenic (2). Last evaluated 2025-04-18.

Conditions:
Cardiovascular phenotype. Identifiers: MedGen CN230736.
Hereditary cancer-predisposing syndrome. Also called: Hereditary Cancer Syndrome; Hereditary neoplastic syndrome; Tumor predisposition; Neoplastic Syndromes, Hereditary. Identifiers: Orphanet 140162, MedGen C0027672, MeSH D009386, MONDO:0015356.

Allele frequency attached by ClinVar (database versions not stated): TOPMed 0.00001.

Submissions (2):

Labcorp Genetics (formerly Invitae), Labcorp
Classification: Pathogenic. Last evaluated: 2025-04-18. Review status: criteria provided, single submitter. Criteria: Invitae Variant Classification Sherloc (09022015). Collection method: clinical testing. Allele origin: germline.
Comment: This sequence change creates a premature translational stop signal (p.Thr7Argfs*18) in the LZTR1 gene. It is expected to result in an absent or disrupted protein product. Loss-of-function variants in LZTR1 are known to be pathogenic (PMID: 24362817, 25335493, 25480913, 25795793, 29469822, 30368668, 30442762, 30442766, 30481304, 30859559). This variant is not present in population databases (gnomAD no frequency). This variant has not been reported in the literature in individuals affected with LZTR1-related conditions. ClinVar contains an entry for this variant (Variation ID: 2882632). For these reasons, this variant has been classified as Pathogenic.

Ambry Genetics
Classification: Pathogenic for Cardiovascular phenotype; Hereditary cancer-predisposing syndrome. Last evaluated: 2023-11-16. Review status: criteria provided, single submitter. Criteria: Ambry Variant Classification Scheme 2023. Collection method: clinical testing. Allele origin: germline.
Comment: The c.20delC pathogenic mutation, located in coding exon 1 of the LZTR1 gene, results from a deletion of one nucleotide at nucleotide position 20, causing a translational frameshift with a predicted alternate stop codon (p.T7Rfs*18). This variant is considered to be rare based on population cohorts in the Genome Aggregation Database (gnomAD). This alteration is expected to result in loss of function by premature protein truncation or nonsense-mediated mRNA decay. Loss-of-function variants in LZTR1 are related to an increased risk for schwannomas and autosomal recessive Noonan syndrome; however, such associations with autosomal dominant Noonan syndrome have not been observed (Piotrowski A et al. Nat Genet. 2014 Feb;46:182-7; Yamamoto GL et al. J Med Genet. 2015 Jun;52:413-21; Johnston JJ et al. Genet Med. 2018 10;20:1175-1185). Based on the supporting evidence, this variant is pathogenic for an increased risk of LZTR1-related schwannomatosis (SWN) and would be expected to cause autosomal recessive Noonan syndrome when present along with a second pathogenic or likely pathogenic variant on the other allele; however, the association of this alteration with autosomal dominant Noonan syndrome is unlikely.

Literature cited by the submitters: PubMed 24362817 (cited by Labcorp Genetics (formerly Invitae), Labcorp); PubMed 25335493 (cited by Labcorp Genetics (formerly Invitae), Labcorp); PubMed 25480913 (cited by Labcorp Genetics (formerly Invitae), Labcorp); PubMed 25795793 (cited by Labcorp Genetics (formerly Invitae), Labcorp); PubMed 29469822 (cited by Labcorp Genetics (formerly Invitae), Labcorp); PubMed 30368668 (cited by Labcorp Genetics (formerly Invitae), Labcorp); PubMed 30442762 (cited by Labcorp Genetics (formerly Invitae), Labcorp); PubMed 30442766 (cited by Labcorp Genetics (formerly Invitae), Labcorp); PubMed 30481304 (cited by Labcorp Genetics (formerly Invitae), Labcorp); PubMed 30859559 (cited by Labcorp Genetics (formerly Invitae), Labcorp).